The following is an entry in ClinVar:

NM_002230.4(JUP):c.1417C>G (p.Gln473Glu)

Gene: JUP (junction plakoglobin; minus strand). Cytogenetic location: 17q21.2.
Variant type: single nucleotide variant.
Coding change: c.1417C>G on transcript NM_002230.4 (MANE Select); coding-DNA position 1417, C replaced by G.
Protein change: p.Gln473Glu; replaces glutamine 473 with glutamic acid.
Molecular consequence: missense variant.
Genome position (GRCh38, 1-based): chr17:41,763,063, G>C on the plus strand (C>G on the coding strand, the complement: JUP is on the minus strand). VCF-style: chr17-41763063-G-C. GRCh37 (hg19) VCF-style: chr17-39919315-G-C.
Other names: c.1417C>G, p.Gln473Glu (NM_021991.4, NM_001352774.2, NM_001352775.2 and 3 more transcripts); short protein forms Q473E.
Identifiers: ClinVar variation 3758220 (VCV003758220.2).
Genomic context (GRCh38, chr17:41,763,063, plus strand): 5'-TGGGCTGGTTGAGCAGCTTCACGATGGCTGGGATGCCATAGTTGAGACGCACAGAGTTCT[G>C]GGCCATCTCGGCCTCAGGGTGGCGGCTAGTGAGGTGGCGCAGAGCGCAGACGGCAGGCTC-3'
Protein context (NP_002221.1, residues 463-483): TSRHPEAEMA[Gln473Glu]NSVRLNYGIP

ClinVar aggregate classification (germline): Uncertain significance (1 of 4 stars; one submission).

Conditions:
Arrhythmogenic right ventricular dysplasia 12. Also called: ARRHYTHMOGENIC RIGHT VENTRICULAR DYSPLASIA, FAMILIAL, 12. Identifiers: MedGen C1969081, MONDO:0012684, OMIM 611528.
Naxos disease (NXD). Also called: KERATOSIS PALMOPLANTARIS WITH ARRHYTHMOGENIC CARDIOMYOPATHY; MAL DE NAXOS; PALMOPLANTAR KERATODERMA WITH ARRHYTHMOGENIC RIGHT VENTRICULAR CARDIOMYOPATHY AND WOOLLY HAIR; WOOLLY HAIR, PALMOPLANTAR KERATODERMA, AND CARDIAC ABNORMALITIES; CARDIOMYOPATHY, ARRHYTHMOGENIC RIGHT VENTRICULAR, WITH SKIN, HAIR, AND NAIL ABNORMALITIES. Identifiers: Orphanet 34217, MedGen C1832600, MONDO:0011017, OMIM 601214.

gnomAD v4.1: 6 of 1,614,074 alleles (0.00037%); highest among the groups gnomAD compares: Non-Finnish European, 0.00051%; no homozygotes.

Submission:

Labcorp Genetics (formerly Invitae), Labcorp
Classification: Uncertain significance for Arrhythmogenic right ventricular dysplasia 12; Naxos disease. Last evaluated: 2024-05-21. Review status: criteria provided, single submitter. Criteria: Invitae Variant Classification Sherloc (09022015). Collection method: clinical testing. Allele origin: germline.
Comment: This sequence change replaces glutamine, which is neutral and polar, with glutamic acid, which is acidic and polar, at codon 473 of the JUP protein (p.Gln473Glu). This variant is not present in population databases (gnomAD no frequency). This variant has not been reported in the literature in individuals affected with JUP-related conditions. An algorithm developed to predict the effect of missense changes on protein structure and function (PolyPhen-2) suggests that this variant is likely to be disruptive. In summary, the available evidence is currently insufficient to determine the role of this variant in disease. Therefore, it has been classified as a Variant of Uncertain Significance.